The following is an entry in ClinVar:

NC_000021.8:g.(?_43160998)_(47865240_?)dup

Genes: KRTAP10-6 (keratin associated protein 10-6; minus strand), LRRC3 (leucine rich repeat containing 3; plus strand), POFUT2 (protein O-fucosyltransferase 2; minus strand), PDXK (pyridoxal kinase; plus strand), PFKL (phosphofructokinase, liver type; plus strand) and 71 more. Cytogenetic location: 21q22.3.
Variant type: Duplication.
Identifiers: ClinVar variation 1409580 (VCV001409580.37).

ClinVar aggregate classification (germline): Uncertain significance. Review status: criteria provided, single submitter (1 of 4 stars). 3 submissions from 1 submitter: Uncertain significance (3). Last evaluated 2022-10-27.

Conditions:
Primary ciliary dyskinesia. Also called: Ciliary dyskinesia. Identifiers: Orphanet 244, MedGen C0008780, MONDO:0016575, HP:0012265.
Developmental and epileptic encephalopathy, 30 (DEE30). Also called: Epileptic encephalopathy, early infantile, 30. Identifiers: MedGen C4225360, MONDO:0014595, OMIM 616341.
Cataract 9 multiple types. Also called: Cataract 9, multiple types, with or without microcornea; Cataract, autosomal recessive congenital 1. Identifiers: Orphanet 1377, MedGen C1858679, MONDO:0011413, OMIM 604219.

Submissions (3):

Labcorp Genetics (formerly Invitae), Labcorp
Classification: Uncertain significance for Developmental and epileptic encephalopathy, 30. Last evaluated: 2022-10-27. Review status: criteria provided, single submitter. Criteria: Invitae Variant Classification Sherloc (09022015). Collection method: clinical testing. Allele origin: germline.
Comment: A copy number gain of the genomic region encompassing the full coding sequence of the SIK1 gene has been identified. The boundaries of this event are unknown as they extend beyond the assayed region for this gene and therefore may encompass additional genes. As the precise location of this event is unknown, it may be in tandem or it may be located elsewhere in the genome. This variant has not been reported in the literature in individuals affected with SIK1-related conditions. Experimental studies and prediction algorithms are not available or were not evaluated, and the functional significance of this variant is currently unknown. In summary, the available evidence is currently insufficient to determine the role of this variant in disease. Therefore, it has been classified as a Variant of Uncertain Significance.

Labcorp Genetics (formerly Invitae), Labcorp
Classification: Uncertain significance for Primary ciliary dyskinesia. Last evaluated: 2022-10-24. Review status: criteria provided, single submitter. Criteria: Invitae Variant Classification Sherloc (09022015). Collection method: clinical testing. Allele origin: germline.
Comment: A copy number gain of the genomic region encompassing the full coding sequence of the RSPH1 gene has been identified. The boundaries of this event are unknown as they extend beyond the assayed region for this gene and therefore may encompass additional genes. As the precise location of this event is unknown, it may be in tandem or it may be located elsewhere in the genome. This variant has not been reported in the literature in individuals affected with RSPH1-related conditions. In summary, the available evidence is currently insufficient to determine the role of this variant in disease. Therefore, it has been classified as a Variant of Uncertain Significance.

Labcorp Genetics (formerly Invitae), Labcorp
Classification: Uncertain significance for Cataract 9 multiple types. Last evaluated: 2022-10-07. Review status: criteria provided, single submitter. Criteria: Invitae Variant Classification Sherloc (09022015). Collection method: clinical testing. Allele origin: germline.
Comment: A copy number gain of the genomic region encompassing the full coding sequence of the CRYAA gene has been identified. The boundaries of this event are unknown as they extend beyond the assayed region for this gene and therefore may encompass additional genes. As the precise location of this event is unknown, it may be in tandem or it may be located elsewhere in the genome. This variant has not been reported in the literature in individuals affected with CRYAA-related conditions. Experimental studies and prediction algorithms are not available or were not evaluated, and the functional significance of this variant is currently unknown. In summary, the available evidence is currently insufficient to determine the role of this variant in disease. Therefore, it has been classified as a Variant of Uncertain Significance.